The following is an entry in ClinVar:

ClinVar aggregate classification (germline): Uncertain significance (1 of 4 stars; one submission).

Conditions:
Polyhydramnios, megalencephaly, and symptomatic epilepsy (PMSE). Also called: PMSE SYNDROME. Identifiers: Orphanet 500533, MedGen C1970203, MONDO:0012611, OMIM 611087.

Allele frequency attached by ClinVar (database versions not stated): gnomAD exomes below 0.00001; TOPMed below 0.00001.
gnomAD v4.1: 6 of 1,613,984 alleles (0.00037%); highest among the groups gnomAD compares: South Asian, 0.0011%; no homozygotes.

Submission:

Labcorp Genetics (formerly Invitae), Labcorp
Classification: Uncertain significance for Polyhydramnios, megalencephaly, and symptomatic epilepsy. Last evaluated: 2022-11-29. Review status: criteria provided, single submitter. Criteria: Invitae Variant Classification Sherloc (09022015). Collection method: clinical testing. Allele origin: germline.
Comment: This sequence change replaces alanine, which is neutral and non-polar, with valine, which is neutral and non-polar, at codon 171 of the STRADA protein (p.Ala171Val). In summary, the available evidence is currently insufficient to determine the role of this variant in disease. Therefore, it has been classified as a Variant of Uncertain Significance. Algorithms developed to predict the effect of missense changes on protein structure and function output the following: SIFT: "Tolerated"; PolyPhen-2: "Benign"; Align-GVGD: "Class C0". The valine amino acid residue is found in multiple mammalian species, which suggests that this missense change does not adversely affect protein function. ClinVar contains an entry for this variant (Variation ID: 1005256). This variant has not been reported in the literature in individuals affected with STRADA-related conditions. This variant is present in population databases (no rsID available, gnomAD 0.0009%).

NM_001003787.4(STRADA):c.512C>T (p.Ala171Val)

Genes: STRADA (STE20 related adaptor alpha; minus strand), LOC125312417 (Sharpr-MPRA regulatory region 9817; plus strand). Cytogenetic location: 17q23.3.
Variant type: single nucleotide variant.
Coding change: c.512C>T on transcript NM_001003787.4 (MANE Select); coding-DNA position 512, C replaced by T.
Protein change: p.Ala171Val; replaces alanine 171 with valine.
Molecular consequence: missense variant. On other transcripts: non-coding transcript variant (1).
Genome position (GRCh38, 1-based): chr17:63,710,560, G>A on the plus strand (C>T on the coding strand, the complement: STRADA is on the minus strand). VCF-style: chr17-63710560-G-A. GRCh37 (hg19) VCF-style: chr17-61787920-G-A.
Other names: c.401C>T, p.Ala134Val (NM_001003786.3, NM_001363789.1, NM_153335.6); c.338C>T, p.Ala113Val (NM_001003788.3, NM_001363790.1, NM_001363791.1); c.425C>T, p.Ala142Val (NM_001165969.2, NM_001363787.1); c.380C>T, p.Ala127Val (NM_001165970.2); c.488C>T, p.Ala163Val (NM_001363786.1); c.512C>T, p.Ala171Val (NM_001363788.1); short protein forms A113V, A127V, A134V, A142V, A163V, A171V.
Identifiers: ClinVar variation 1005256 (VCV001005256.7), dbSNP rs1004131748, ClinGen allele CA292945943.